The following is an entry in ClinVar:

ClinVar aggregate classification (germline): Uncertain significance (1 of 4 stars; one submission).

Conditions:
Nephronophthisis. Also called: Juvenile Nephronophthisis. Identifiers: Orphanet 655, MedGen C0687120, MONDO:0019005, HP:0000090.

Allele frequency attached by ClinVar (database versions not stated): gnomAD exomes 0.00001 and 0.00002; TOPMed 0.00001; gnomAD 0.00006.
gnomAD v4.1: 31 of 1,614,030 alleles (0.0019%); highest among the groups gnomAD compares: Non-Finnish European, 0.0023%; no homozygotes.

Submission:

Labcorp Genetics (formerly Invitae), Labcorp
Classification: Uncertain significance for Nephronophthisis. Last evaluated: 2025-08-21. Review status: criteria provided, single submitter. Criteria: Invitae Variant Classification Sherloc (09022015). Collection method: clinical testing. Allele origin: germline.
Comment: This sequence change replaces serine, which is neutral and polar, with asparagine, which is neutral and polar, at codon 584 of the IQCB1 protein (p.Ser584Asn). This variant is present in population databases (rs762365184, gnomAD 0.009%). This variant has not been reported in the literature in individuals affected with IQCB1-related conditions. ClinVar contains an entry for this variant (Variation ID: 1429502). Invitae Evidence Modeling of protein sequence and biophysical properties (such as structural, functional, and spatial information, amino acid conservation, physicochemical variation, residue mobility, and thermodynamic stability) indicates that this missense variant is not expected to disrupt IQCB1 protein function with a negative predictive value of 80%. In summary, the available evidence is currently insufficient to determine the role of this variant in disease. Therefore, it has been classified as a Variant of Uncertain Significance.

NM_001023570.4(IQCB1):c.1751G>A (p.Ser584Asn)

Gene: IQCB1 (IQ motif containing B1; minus strand). Cytogenetic location: 3q13.33.
Variant type: single nucleotide variant.
Coding change: c.1751G>A on transcript NM_001023570.4 (MANE Select); coding-DNA position 1751, G replaced by A.
Protein change: p.Ser584Asn; replaces serine 584 with asparagine.
Molecular consequence: missense variant. On other transcripts: non-coding transcript variant (1).
Genome position (GRCh38, 1-based): chr3:121,770,391, C>T on the plus strand (G>A on the coding strand, the complement: IQCB1 is on the minus strand). VCF-style: chr3-121770391-C-T. GRCh37 (hg19) VCF-style: chr3-121489238-C-T.
Other names: c.1352G>A, p.Ser451Asn (NM_001023571.4); c.1751G>A, p.Ser584Asn (NM_001319107.2); short protein forms S584N, S451N.
Identifiers: ClinVar variation 1429502 (VCV001429502.8), dbSNP rs762365184, ClinGen allele CA82716647.